The following is an entry in ClinVar:

NM_020911.2(PLXNA4):c.2571C>T (p.Asn857=)

Gene: PLXNA4 (plexin A4; minus strand). Cytogenetic location: 7q32.3.
Variant type: single nucleotide variant.
Coding change: c.2571C>T on transcript NM_020911.2 (MANE Select); coding-DNA position 2571, C replaced by T.
Protein change: p.Asn857=; no amino-acid change (asparagine 857 retained).
Molecular consequence: synonymous variant.
Genome position (GRCh38, 1-based): chr7:132,202,661, G>A on the plus strand (C>T on the coding strand, the complement: PLXNA4 is on the minus strand). VCF-style: chr7-132202661-G-A. GRCh37 (hg19) VCF-style: chr7-131887420-G-A.
Other names: c.2571C>T, p.Asn857= (NM_001393897.1).
Identifiers: ClinVar variation 4984072 (VCV004984072.1).

ClinVar aggregate classification (germline): Likely benign (1 of 4 stars; one submission).

Conditions:
PLXNA4-related disorder. Also called: PLXNA4-related condition.

gnomAD v4.1: 5 of 1,536,872 alleles (0.00033%); highest among the groups gnomAD compares: South Asian, 0.0025%; no homozygotes.

Submission:

PreventionGenetics, part of Exact Sciences
Classification: Likely benign for PLXNA4-related condition. Last evaluated: 2025-10-19. Review status: criteria provided, single submitter. Criteria: ACMG Guidelines, 2015. Collection method: clinical testing. Allele origin: germline.
Comment: This variant is classified as likely benign based on ACMG/AMP sequence variant interpretation guidelines (Richards et al. 2015 PMID: 25741868, with internal and published modifications).